The following is an entry in ClinVar:

ClinVar aggregate classification (germline): Conflicting classifications of pathogenicity. Review status: criteria provided, conflicting classifications (1 of 4 stars). 3 submissions from 3 submitters: Uncertain significance (2); Likely benign (1). Last evaluated 2025-05-20.

Conditions:
Spastic ataxia 2. Also called: Ataxia, spastic, 2, autosomal recessive. Identifiers: Orphanet 397946, MedGen C1969796, MONDO:0012651, OMIM 611302.
Inborn genetic diseases. Identifiers: MedGen C0950123, MeSH D030342.

Allele frequency attached by ClinVar (database versions not stated): ExAC 0.00002; ESP Exome Variant Server 0.00015; TOPMed 0.00015; gnomAD 0.00024.
gnomAD v4.1: 146 of 1,613,618 alleles (0.009%); highest among the groups gnomAD compares: African/African-American, 0.051%; no homozygotes.

Submissions (3):

Labcorp Genetics (formerly Invitae), Labcorp
Classification: Likely benign for Spastic ataxia 2. Last evaluated: 2025-05-20. Review status: criteria provided, single submitter. Criteria: Invitae Variant Classification Sherloc (09022015). Collection method: clinical testing. Allele origin: germline.

CeGaT Center for Human Genetics Tuebingen
Classification: Uncertain significance. Last evaluated: 2023-11-01. Review status: criteria provided, single submitter. Criteria: CeGaT Center For Human Genetics Tuebingen Variant Classification Criteria Version 2. Collection method: clinical testing. Allele origin: germline. Affected: yes. Observed: 1 variant allele.
Comment: KIF1C: PM2

Ambry Genetics
Classification: Uncertain significance for Inborn genetic diseases. Last evaluated: 2023-01-18. Review status: criteria provided, single submitter. Criteria: Ambry Variant Classification Scheme 2023. Collection method: clinical testing. Allele origin: germline.

NM_006612.6(KIF1C):c.683G>A (p.Arg228His)

Gene: KIF1C (kinesin family member 1C; plus strand). Cytogenetic location: 17p13.2.
Variant type: single nucleotide variant.
Coding change: c.683G>A on transcript NM_006612.6 (MANE Select); coding-DNA position 683, G replaced by A.
Protein change: p.Arg228His; replaces arginine 228 with histidine.
Molecular consequence: missense variant.
Genome position (GRCh38, 1-based): chr17:5,002,805, G>A. VCF-style: chr17-5002805-G-A. GRCh37 (hg19) VCF-style: chr17-4906100-G-A.
Other names: c.683G>A (NM_006612.5); short protein forms R228H.
Identifiers: ClinVar variation 1916546 (VCV001916546.30), dbSNP rs142513387, ClinGen allele CA8318643.